The following is an entry in ClinVar:

NM_001232.4(CASQ2):c.737+282G>T

Gene: CASQ2 (calsequestrin 2; minus strand). Cytogenetic location: 1p13.1.
Variant type: single nucleotide variant.
Coding change: c.737+282G>T on transcript NM_001232.4 (MANE Select); 282 bases into the intron after coding-DNA position 737, G replaced by T.
Molecular consequence: intron variant.
Genome position (GRCh38, 1-based): chr1:115,726,710, C>A on the plus strand (G>T on the coding strand, the complement: CASQ2 is on the minus strand). VCF-style: chr1-115726710-C-A. GRCh37 (hg19) VCF-style: chr1-116269331-C-A.
Identifiers: ClinVar variation 683292 (VCV000683292.1), dbSNP rs6661781, ClinGen allele CA29635690.
Genomic context (GRCh38, chr1:115,726,710, plus strand): 5'-ATAGTTTCCCTAAAGCACTGGGCATGGTTATTGGTATATGGGAACTTTCACTAAATTGCT[C>A]TCATTCCTAGTATAGAATTTTATTTATATCTTGCCCTGGCTTTGAGGGGATTTGCTGACT-3'

ClinVar aggregate classification (germline): Benign (1 of 4 stars; one submission).

Allele frequency attached by ClinVar (database versions not stated): TOPMed 0.66219; 1000 Genomes Project 30x 0.69878; 1000 Genomes Project 0.69688.
gnomAD v4.1: 98,358 of 152,150 alleles (65%); highest among the groups gnomAD compares: African/African-American, 87%; 33,397 homozygotes.

Submission:

GeneDx
Classification: Benign. Last evaluated: 2018-06-18. Review status: criteria provided, single submitter. Criteria: GeneDx Variant Classification (06012015). Collection method: clinical testing. Allele origin: germline. Affected: yes.
Comment: This variant is considered likely benign or benign based on one or more of the following criteria: it is a conservative change, it occurs at a poorly conserved position in the protein, it is predicted to be benign by multiple in silico algorithms, and/or has population frequency not consistent with disease.